The following is an entry in ClinVar:

ClinVar aggregate classification (germline): Benign/Likely benign. Review status: criteria provided, multiple submitters, no conflicts (2 of 4 stars). 3 submissions from 3 submitters: Benign (2); Likely benign (1). Last evaluated 2024-09-01.

Allele frequency attached by ClinVar (database versions not stated): TOPMed 0.00417; 1000 Genomes Project 0.00419; gnomAD 0.00475; 1000 Genomes Project 30x 0.00515; ESP Exome Variant Server 0.00515.
gnomAD v4.1: 1,255 of 1,571,932 alleles (0.08%); highest among the groups gnomAD compares: African/African-American, 1.4%; 9 homozygotes.

Submissions (3):

CeGaT Center for Human Genetics Tuebingen
Classification: Likely benign. Last evaluated: 2024-09-01. Review status: criteria provided, single submitter. Criteria: CeGaT Center For Human Genetics Tuebingen Variant Classification Criteria Version 2. Collection method: clinical testing. Allele origin: germline. Affected: yes. Observed: 1 variant allele.
Comment: DAB1: BS1

Labcorp Genetics (formerly Invitae), Labcorp
Classification: Benign. Last evaluated: 2018-06-16. Review status: criteria provided, single submitter. Criteria: Invitae Variant Classification Sherloc (09022015). Collection method: clinical testing. Allele origin: germline.

Breakthrough Genomics
Classification: Benign. Review status: criteria provided, single submitter. Criteria: ACMG Guidelines, 2015. Collection method: not provided. Allele origin: germline. Inheritance: Autosomal dominant inheritance. Affected: yes.

NM_001365792.1(DAB1):c.1660G>T (p.Gly554Cys)

Gene: DAB1 (DAB adaptor protein 1; minus strand). Cytogenetic location: 1p32.2.
Variant type: single nucleotide variant.
Coding change: c.1660G>T on transcript NM_001365792.1 (MANE Select); coding-DNA position 1660, G replaced by T.
Protein change: p.Gly554Cys; replaces glycine 554 with cysteine.
Molecular consequence: missense variant.
Genome position (GRCh38, 1-based): chr1:57,010,703, C>A on the plus strand (G>T on the coding strand, the complement: DAB1 is on the minus strand). VCF-style: chr1-57010703-C-A. GRCh37 (hg19) VCF-style: chr1-57476376-C-A.
Other names: c.1660G>T, p.Gly554Cys (NM_001353983.2, NM_001353985.2, NM_001365793.1 and 2 more transcripts); c.1654G>T, p.Gly552Cys (NM_001353986.2, NM_001379461.1); short protein forms G552C, G554C.
Identifiers: ClinVar variation 786991 (VCV000786991.17), dbSNP rs114941053, ClinGen allele CA876157.
Genomic context (GRCh38, chr1:57,010,703, plus strand): 5'-CTTAAGGGTAAAGGAGATAAAAAGGACAGATACCTACCCAGACCTGCGCTATCTAGCTAC[C>A]GGCCTGTGGACTTATATTATCACCACTGGGCTCCCCACTGGGCTCACCAAATGGATCACT-3'
Protein context (NP_001352721.1, residues 544-555): PSGDNISPQA[Gly554Cys]S